The following is an entry in ClinVar:

ClinVar aggregate classification (germline): Likely benign (1 of 4 stars; one submission).

Submission:

CeGaT Center for Human Genetics Tuebingen
Classification: Likely benign. Last evaluated: 2022-10-01. Review status: criteria provided, single submitter. Criteria: CeGaT Center For Human Genetics Tuebingen Variant Classification Criteria Version 2. Collection method: clinical testing. Allele origin: germline. Affected: yes. Observed: 1 variant allele.
Comment: LSS: BP4, BP7

NM_002340.6(LSS):c.36C>G (p.Gly12=)

Genes: LSS (lanosterol synthase; minus strand), LOC130066868 (ATAC-STARR-seq lymphoblastoid silent region 13413; plus strand). Cytogenetic location: 21q22.3.
Variant type: single nucleotide variant.
Coding change: c.36C>G on transcript NM_002340.6 (MANE Select); coding-DNA position 36, C replaced by G.
Protein change: p.Gly12=; no amino-acid change (glycine 12 retained).
Molecular consequence: synonymous variant. On other transcripts: 5 prime UTR variant (1).
Genome position (GRCh38, 1-based): chr21:46,228,578, G>C on the plus strand (C>G on the coding strand, the complement: LSS is on the minus strand). VCF-style: chr21-46228578-G-C. GRCh37 (hg19) VCF-style: chr21-47648492-G-C.
Other names: c.-205C>G (NM_001145437.2); c.36C>G, p.Gly12= (NM_001001438.3, NM_001145436.2).
Identifiers: ClinVar variation 2652817 (VCV002652817.24), dbSNP rs775354439, ClinGen allele CA10075615.